The following is an entry in ClinVar:

ClinVar aggregate classification (germline): Uncertain significance (1 of 4 stars; one submission).

Conditions:
FG syndrome (FGS). Identifiers: MedGen C0220769, MONDO:0002010.

Submission:

Labcorp Genetics (formerly Invitae), Labcorp
Classification: Uncertain significance for FG syndrome. Last evaluated: 2026-02-02. Review status: criteria provided, single submitter. Criteria: Invitae Variant Classification Sherloc (09022015). Collection method: clinical testing. Allele origin: germline.
Comment: This sequence change falls in intron 23 of the MED12 gene. It does not directly change the encoded amino acid sequence of the MED12 protein. This variant is not present in population databases (gnomAD no frequency). This variant has not been reported in the literature in individuals affected with MED12-related conditions. ClinVar contains an entry for this variant (Variation ID: 3728042). Algorithms developed to predict the effect of sequence changes on RNA splicing suggest that this variant may disrupt the consensus splice site. In summary, the available evidence is currently insufficient to determine the role of this variant in disease. Therefore, it has been classified as a Variant of Uncertain Significance.

NM_005120.3(MED12):c.3354+11G>A

Gene: MED12 (mediator complex subunit 12; plus strand). Cytogenetic location: Xq13.1.
Variant type: single nucleotide variant.
Coding change: c.3354+11G>A on transcript NM_005120.3 (MANE Select); 11 bases into the intron after coding-DNA position 3354, G replaced by A.
Molecular consequence: intron variant.
Genome position (GRCh38, 1-based): chrX:71,128,451, G>A. VCF-style: chrX-71128451-G-A. GRCh37 (hg19) VCF-style: chrX-70348301-G-A.
Identifiers: ClinVar variation 3728042 (VCV003728042.2).